The following continues an entry in ClinVar:

NM_001083116.3(PRF1):c.673C>T (p.Arg225Trp)

Gene: PRF1. ClinVar aggregate classification (germline): Pathogenic. Pathogenic (10).

Submissions 9 to 11 of 11:

Illumina Laboratory Services, Illumina
Classification: Pathogenic for Familial hemophagocytic lymphohistiocytosis 2. Last evaluated: 2017-04-27. Review status: criteria provided, single submitter. Criteria: ICSL Variant Classification Criteria 09 May 2019. Collection method: clinical testing. Allele origin: germline.
Comment: The PRF1 c.673C>T (p.Arg225Trp) missense variant has been described in at least eight studies in which it is found in a total of 16 patients with familial hemophagocytic lymphohistiocytosis including in 11 in a homozygous state, in three in a compound heterozygous state, and in two of unknown zygosity (Stepp et al. 1999; Clementi et al. 2001; Molleran et al. 2004; Trizzino et al. 2008; Chiapparini et al. 2011; Dias et al. 2013; Tesi et al. 2015; Madkaikar et al. 2016). The variant was also found in a heterozygous state in four unaffected related individuals. The p.Arg225Trp was absent from at least 100 control chromosomes but is reported at a frequency of 0.00035 in the European American population of the Exome Sequencing Project. Functional studies demonstrated that the variant results in decreased or absent perforin expression and reduced NK cell cytolytic activity (Stepp et al. 1999; Risma et al. 2004; Voskoboinik et al. 2004; Trizzino et al. 2008). Based on the evidence, the p.Arg225Trp variant is classified as pathogenic for familial hemophagocytic lymphohistiocytosis. This variant was observed by ICSL as part of a predisposition screen in an ostensibly healthy population.

Neuberg Centre For Genomic Medicine, NCGM
Classification: Pathogenic for Familial hemophagocytic lymphohistiocytosis 2. Review status: criteria provided, single submitter. Criteria: ACMG Guidelines, 2015. Collection method: clinical testing. Allele origin: germline. Inheritance: Autosomal recessive inheritance. Affected: yes.
Comment: The observed missense variant c.673C>Tp.Arg225Trp in PRF1 gene has been reported in homozygous/compound heterozygous state in individuals with familial hemophagocytic lymphohistiocytosis Blincoe A, et al., 2020, Tesi B, et al., 2015. Experimental studies have shown that this missense change affects PRF1 function Voskoboinik I, et al., 2004. The p.Arg225Trp variant is reported with 0.002% allele frequency in gnomAD Exomes. The amino acid Arg at position 225 is changed to a Trp changing protein sequence and it might alter its composition and physico-chemical properties. This variant has been reported to the ClinVar database as Pathogenic multiple submissions. Multiple lines of computational evidence Polyphen-probably damaging, SIFT-damaging and Mutation Taster-disease causing predict a damaging effect on protein structure and function for this variant. The reference amino acid p.Arg225Trp in PRF1 is predicted as conserved by GERP++ and PhyloP across 100 vertebrates. For these reasons, this variant has been classified as Pathogenic.

OMIM
Classification: Pathogenic for HEMOPHAGOCYTIC LYMPHOHISTIOCYTOSIS, FAMILIAL, 2. Last evaluated: 2013-11-01. Review status: no assertion criteria provided. Collection method: literature only. Allele origin: germline. Not counted in ClinVar's aggregate classification.

Literature cited by the submitters: PubMed 10583959 (cited by 6 submitters); PubMed 26184781 (cited by 3billion and Ambry Genetics); PubMed 26684649 (cited by 3billion and Illumina Laboratory Services, Illumina); PubMed 23443029 (cited by 4 submitters); PubMed 17674359 (cited by 3billion); PubMed 27271812 (cited by 3 submitters); PubMed 11565555 (cited by 4 submitters); PubMed 14757862 (cited by 5 submitters); PubMed 15365097 (cited by 5 submitters); PubMed 16374518 (cited by 3 submitters); PubMed 32638196 (cited by Women's Health and Genetics/Laboratory Corporation of America, LabCorp); PubMed 17164654 (cited by Women's Health and Genetics/Laboratory Corporation of America, LabCorp); PubMed 17873118 (cited by 3 submitters); PubMed 12060139 (cited by Ambry Genetics); PubMed 21234777 (cited by Illumina Laboratory Services, Illumina and OMIM).